The following is an entry in ClinVar:

ClinVar aggregate classification (germline): Pathogenic. Review status: criteria provided, multiple submitters, no conflicts (2 of 4 stars). 4 submissions from 4 submitters: Pathogenic (2). 2 of the submissions do not count toward it. Last evaluated 2024-04-10.

Conditions:
Autosomal recessive nonsyndromic hearing loss 9. Also called: Deafness, autosomal recessive 9; AUDITORY NEUROPATHY, AUTOSOMAL RECESSIVE, 1, TEMPERATURE-SENSITIVE; OTOF-Related Hearing Loss; NEUROSENSORY NONSYNDROMIC RECESSIVE DEAFNESS 9. Identifiers: Orphanet 90636, MedGen C1832828, MONDO:0010986, OMIM 601071.

Allele frequency attached by ClinVar (database versions not stated): gnomAD exomes below 0.00001.
gnomAD v4.1: 1 of 1,614,102 alleles (0.000062%); highest among the groups gnomAD compares: Admixed American, 0.0017%; no homozygotes.

Submissions (4):

Labcorp Genetics (formerly Invitae), Labcorp
Classification: Pathogenic. Last evaluated: 2024-04-10. Review status: criteria provided, single submitter. Criteria: Invitae Variant Classification Sherloc (09022015). Collection method: clinical testing. Allele origin: germline.
Comment: This sequence change creates a premature translational stop signal (p.Trp1425*) in the OTOF gene. It is expected to result in an absent or disrupted protein product. Loss-of-function variants in OTOF are known to be pathogenic (PMID: 18381613, 19250381, 22575033). This variant is present in population databases (rs80356598, gnomAD 0.003%). This premature translational stop signal has been observed in individual(s) with non-syndromic hearing loss (PMID: 33297549). In at least one individual the data is consistent with being in trans (on the opposite chromosome) from a pathogenic variant. ClinVar contains an entry for this variant (Variation ID: 21849). For these reasons, this variant has been classified as Pathogenic.

Fulgent Genetics
Classification: Pathogenic for Autosomal recessive nonsyndromic hearing loss 9. Last evaluated: 2021-11-10. Review status: criteria provided, single submitter. Criteria: ACMG Guidelines, 2015. Collection method: clinical testing. Allele origin: unknown.

Diagnosis and Treatment Center of Genetic Hearing Loss, Eye & ENT Hospital of Fudan University
Classification: Pathogenic for Autosomal recessive nonsyndromic hearing loss 9. Last evaluated: 2026-02-04. Review status: no assertion criteria provided. Collection method: clinical testing. Allele origin: germline. Inheritance: Autosomal recessive inheritance. Affected: yes. Not counted in ClinVar's aggregate classification.
Comment: The c.4275G>A nonsense variant in OTOF leads to a premature stop codon and predicted NMD (PVS1). The maximum population frequency is 0.000004 (PM2_Supporting). It was reported in one patient in trans with pathogenic c.2485C>T (PM3; PMID: 33297549). The phenotype is consistent with auditory neuropathy (PP4).

GeneReviews
No classification provided. Condition: Autosomal recessive nonsyndromic hearing loss 9. Review status: no classification provided. Collection method: literature only. Allele origin: unknown. Not counted in ClinVar's aggregate classification.

Literature cited by the submitters: PubMed 18381613 (cited by Labcorp Genetics (formerly Invitae), Labcorp); PubMed 19250381 (cited by Labcorp Genetics (formerly Invitae), Labcorp); PubMed 22575033 (cited by Labcorp Genetics (formerly Invitae), Labcorp); PubMed 33297549 (cited by Labcorp Genetics (formerly Invitae), Labcorp and Diagnosis and Treatment Center of Genetic Hearing Loss, Eye & ENT Hospital of Fudan University); PubMed 14635104 (cited by GeneReviews); PubMed 20301429 (cited by GeneReviews); NCBI Bookshelf NBK1251 (cited by GeneReviews).

NM_194248.3(OTOF):c.4275G>A (p.Trp1425Ter)

Gene: OTOF (otoferlin; minus strand). Cytogenetic location: 2p23.3.
Variant type: single nucleotide variant.
Coding change: c.4275G>A on transcript NM_194248.3 (MANE Select); coding-DNA position 4275, G replaced by A.
Protein change: p.Trp1425Ter; replaces tryptophan 1425 with a stop codon.
Molecular consequence: nonsense.
Genome position (GRCh38, 1-based): chr2:26,467,186, C>T on the plus strand (G>A on the coding strand, the complement: OTOF is on the minus strand). VCF-style: chr2-26467186-C-T. GRCh37 (hg19) VCF-style: chr2-26690054-C-T.
Other names: c.4275G>A, p.Trp1425Ter (NM_001287489.2); c.1974G>A, p.Trp658Ter (NM_004802.4, NM_194323.3); c.2205G>A, p.Trp735Ter (NM_194322.3); short protein forms W1425*, W735*, W658*.
Identifiers: ClinVar variation 21849 (VCV000021849.8), dbSNP rs80356598, ClinGen allele CA342570.